The following is an entry in ClinVar:

NM_002397.5(MEF2C):c.1138C>A (p.Leu380Ile)

Gene: MEF2C (myocyte enhancer factor 2C; minus strand). Cytogenetic location: 5q14.3.
Variant type: single nucleotide variant.
Coding change: c.1138C>A on transcript NM_002397.5 (MANE Select); coding-DNA position 1138, C replaced by A.
Protein change: p.Leu380Ile; replaces leucine 380 with isoleucine.
Molecular consequence: missense variant. On other transcripts: intron variant (24).
Genome position (GRCh38, 1-based): chr5:88,722,888, G>T on the plus strand (C>A on the coding strand, the complement: MEF2C is on the minus strand). VCF-style: chr5-88722888-G-T. GRCh37 (hg19) VCF-style: chr5-88018705-G-T.
Other names: c.1108C>A, p.Leu370Ile (NM_001131005.2); c.1168C>A, p.Leu390Ile (NM_001193347.1); c.970C>A, p.Leu324Ile (NM_001193348.1); c.1138C>A, p.Leu380Ile (NM_001193350.2, NM_001364329.2, NM_001364330.2 and 1 more transcripts); c.1114C>A, p.Leu372Ile (NM_001308002.3, NM_001364333.2); c.994C>A, p.Leu332Ile (NM_001364344.2); c.760C>A, p.Leu254Ile (NM_001364353.2); c.1101-59C>A (NM_001364334.2, NM_001364335.2, NM_001364337.2 and 2 more transcripts); and 10 more; short protein forms L254I, L332I, L370I, L372I, L390I, L324I, L380I.
Identifiers: ClinVar variation 2130302 (VCV002130302.4), dbSNP rs1756829018, ClinGen allele CA360422382.

ClinVar aggregate classification (germline): Uncertain significance (1 of 4 stars; one submission).

Conditions:
Neurodevelopmental disorder with hypotonia, stereotypic hand movements, and impaired language. Also called: Intellectual disability, autosomal dominant 20. Identifiers: Orphanet 228384, Orphanet 664410, MedGen C3150700, MONDO:0013266, OMIM 613443.

gnomAD v4.1: 1 of 1,612,282 alleles (0.000062%); highest among the groups gnomAD compares: Non-Finnish European, 0.000085%; no homozygotes.

Submission:

Labcorp Genetics (formerly Invitae), Labcorp
Classification: Uncertain significance for Neurodevelopmental disorder with hypotonia, stereotypic hand movements, and impaired language. Last evaluated: 2022-05-12. Review status: criteria provided, single submitter. Criteria: Invitae Variant Classification Sherloc (09022015). Collection method: clinical testing. Allele origin: germline.
Comment: This sequence change replaces leucine, which is neutral and non-polar, with isoleucine, which is neutral and non-polar, at codon 380 of the MEF2C protein (p.Leu380Ile). This variant is not present in population databases (gnomAD no frequency). In summary, the available evidence is currently insufficient to determine the role of this variant in disease. Therefore, it has been classified as a Variant of Uncertain Significance. Algorithms developed to predict the effect of missense changes on protein structure and function are either unavailable or do not agree on the potential impact of this missense change (SIFT: "Tolerated"; PolyPhen-2: "Probably Damaging"; Align-GVGD: "Class C0"). This variant has not been reported in the literature in individuals affected with MEF2C-related conditions.